The following is an entry in ClinVar:

ClinVar aggregate classification (germline): Pathogenic/Likely pathogenic. Review status: criteria provided, multiple submitters, no conflicts (2 of 4 stars). 3 submissions from 3 submitters: Pathogenic (1); Likely pathogenic (2). Last evaluated 2024-07-08.

Conditions:
Pseudo-Hurler polydystrophy. Also called: MUCOLIPIDOSIS IIIA; ML III; ML III ALPHA/BETA; Type III Mucolipidosis; ML IIIA; Mucolipidosis III Alpha/Beta. Identifiers: Orphanet 423461, Orphanet 577, MedGen C0033788, MONDO:0018931, OMIM 252600.
Mucolipidosis type II. Also called: Mucolipidosis II Alpha/Beta; ML II ALPHA/BETA; Mucolipidosis 2; ML 2; Inclusion cell disease; Leroy Disease. Identifiers: Orphanet 576, MedGen C2673377, MONDO:0009650, OMIM 252500.

Submissions (3):

Natera, Inc.
Classification: Likely pathogenic for Mucolipidosis type II. Last evaluated: 2024-07-08. Review status: criteria provided, single submitter. Criteria: Natera Variant Classification Schema (03/2026). Collection method: clinical testing. Allele origin: germline.
Comment: The c.1471C>T variant in GNPTAB is a nonsense variant predicted to introduce a stop codon at amino acid 491. This variant is expected to result in nonsense mediated decay, truncation, or a dysfunctional protein product. This variant is rare in the general population with a frequency below the threshold expected for the associated phenotype(s). Given the available evidence, this variant is classified as Likely Pathogenic.

Labcorp Genetics (formerly Invitae), Labcorp
Classification: Pathogenic for Pseudo-Hurler polydystrophy; Mucolipidosis type II. Last evaluated: 2022-10-14. Review status: criteria provided, single submitter. Criteria: Invitae Variant Classification Sherloc (09022015). Collection method: clinical testing. Allele origin: germline.
Comment: For these reasons, this variant has been classified as Pathogenic. Algorithms developed to predict the effect of sequence changes on RNA splicing suggest that this variant may disrupt the consensus splice site. This variant has not been reported in the literature in individuals affected with GNPTAB-related conditions. This variant is not present in population databases (gnomAD no frequency). This sequence change creates a premature translational stop signal (p.Gln491*) in the GNPTAB gene. It is expected to result in an absent or disrupted protein product. Loss-of-function variants in GNPTAB are known to be pathogenic (PMID: 19617216, 25107912).

Juno Genomics, Hangzhou Juno Genomics, Inc
Classification: Likely pathogenic for Mucolipidosis type II; Pseudo-Hurler polydystrophy. Review status: criteria provided, single submitter. Criteria: ACMG Guidelines, 2015. Collection method: clinical testing. Allele origin: germline. Affected: yes.
Comment: Absent from controls (or at extremely low frequency if recessive) in Genome Aggregation Database, Exome Sequencing Project, 1000 Genomes Project, or Exome Aggregation Consortium.;Null variant in a gene where loss of function (LOF) is a known mechanism of disease.

Literature cited by the submitters: PubMed 19617216 (cited by Labcorp Genetics (formerly Invitae), Labcorp); PubMed 25107912 (cited by Labcorp Genetics (formerly Invitae), Labcorp).

NM_024312.5(GNPTAB):c.1471C>T (p.Gln491Ter)

Gene: GNPTAB (N-acetylglucosamine-1-phosphate transferase subunits alpha and beta; minus strand). Cytogenetic location: 12q23.2.
Variant type: single nucleotide variant.
Coding change: c.1471C>T on transcript NM_024312.5 (MANE Select); coding-DNA position 1471, C replaced by T.
Protein change: p.Gln491Ter; replaces glutamine 491 with a stop codon.
Molecular consequence: nonsense.
Genome position (GRCh38, 1-based): chr12:101,766,232, G>A on the plus strand (C>T on the coding strand, the complement: GNPTAB is on the minus strand). VCF-style: chr12-101766232-G-A. GRCh37 (hg19) VCF-style: chr12-102160010-G-A.
Other names: c.1471C>T (NM_024312.4); short protein forms Q491*.
Identifiers: ClinVar variation 2029785 (VCV002029785.7), dbSNP rs2547958752, ClinGen allele CA386301338.